The following is an entry in ClinVar:

ClinVar aggregate classification (germline): Uncertain significance. Review status: criteria provided, multiple submitters, no conflicts (2 of 4 stars). 2 submissions from 2 submitters: Uncertain significance (2). Last evaluated 2026-04-11.

Conditions:
Inborn genetic diseases. Identifiers: MedGen C0950123, MeSH D030342.

Allele frequency attached by ClinVar (database versions not stated): gnomAD exomes below 0.00001.
gnomAD v4.1: 5 of 1,613,372 alleles (0.00031%); highest among the groups gnomAD compares: African/African-American, 0.0053%; 1 homozygote.

Submissions (2):

Ambry Genetics
Classification: Uncertain significance for Inborn genetic diseases. Last evaluated: 2026-04-11. Review status: criteria provided, single submitter. Criteria: Ambry Variant Classification Scheme 2023. Collection method: clinical testing. Allele origin: germline.

Labcorp Genetics (formerly Invitae), Labcorp
Classification: Uncertain significance. Last evaluated: 2024-11-18. Review status: criteria provided, single submitter. Criteria: Invitae Variant Classification Sherloc (09022015). Collection method: clinical testing. Allele origin: germline.
Comment: This sequence change replaces serine, which is neutral and polar, with proline, which is neutral and non-polar, at codon 552 of the COL9A3 protein (p.Ser552Pro). This variant is not present in population databases (gnomAD no frequency). This variant has not been reported in the literature in individuals affected with COL9A3-related conditions. ClinVar contains an entry for this variant (Variation ID: 1435022). Invitae Evidence Modeling of protein sequence and biophysical properties (such as structural, functional, and spatial information, amino acid conservation, physicochemical variation, residue mobility, and thermodynamic stability) indicates that this missense variant is not expected to disrupt COL9A3 protein function with a negative predictive value of 95%. In summary, the available evidence is currently insufficient to determine the role of this variant in disease. Therefore, it has been classified as a Variant of Uncertain Significance.

NM_001853.4(COL9A3):c.1654T>C (p.Ser552Pro)

Gene: COL9A3 (collagen type IX alpha 3 chain; plus strand). Cytogenetic location: 20q13.33.
Variant type: single nucleotide variant.
Coding change: c.1654T>C on transcript NM_001853.4 (MANE Select); coding-DNA position 1654, T replaced by C.
Protein change: p.Ser552Pro; replaces serine 552 with proline.
Molecular consequence: missense variant.
Genome position (GRCh38, 1-based): chr20:62,837,133, T>C. VCF-style: chr20-62837133-T-C. GRCh37 (hg19) VCF-style: chr20-61468485-T-C.
Other names: c.1654T>C (NM_001853.3); short protein forms S552P.
Identifiers: ClinVar variation 1435022 (VCV001435022.8), dbSNP rs2063642783, ClinGen allele CA409599154.